The following is an entry in ClinVar:

ClinVar aggregate classification (germline): Likely benign. Review status: criteria provided, multiple submitters, no conflicts (2 of 4 stars). 3 submissions from 3 submitters: Likely benign (3). Last evaluated 2026-01-15.

Conditions:
EPM2A-related disorder. Also called: EPM2A-related condition.
Progressive myoclonic epilepsy. Also called: Myoclonic Epilepsies, Progressive; Familial progressive myoclonic epilepsy; Myoclonus epilepsy; Progressive myoclonus epilepsy. Identifiers: Orphanet 308, Orphanet 98261, MedGen C0751778, MONDO:0020074.

Allele frequency attached by ClinVar (database versions not stated): TOPMed 0.00004; ExAC 0.00006; ESP Exome Variant Server 0.00008; gnomAD 0.00001; gnomAD exomes 0.00002 and 0.00004.
gnomAD v4.1: 26 of 1,614,130 alleles (0.0016%); highest among the groups gnomAD compares: South Asian, 0.0077%; no homozygotes.

Submissions (3):

PreventionGenetics, part of Exact Sciences
Classification: Likely benign for EPM2A-related condition. Last evaluated: 2026-01-15. Review status: criteria provided, single submitter. Criteria: ACMG Guidelines, 2015. Collection method: clinical testing. Allele origin: germline.
Comment: This variant is classified as likely benign based on ACMG/AMP sequence variant interpretation guidelines (Richards et al. 2015 PMID: 25741868, with internal and published modifications).

Labcorp Genetics (formerly Invitae), Labcorp
Classification: Likely benign for Progressive myoclonic epilepsy. Last evaluated: 2025-08-10. Review status: criteria provided, single submitter. Criteria: Invitae Variant Classification Sherloc (09022015). Collection method: clinical testing. Allele origin: germline.

Blueprint Genetics
Classification: Likely benign. Last evaluated: 2024-02-29. Review status: criteria provided, single submitter. Criteria: ACMG Guidelines, 2015. Collection method: clinical testing. Allele origin: germline.

NM_005670.4(EPM2A):c.918C>T (p.Asp306=)

Gene: EPM2A (EPM2A glucan phosphatase, laforin; minus strand). Cytogenetic location: 6q24.3.
Variant type: single nucleotide variant.
Coding change: c.918C>T on transcript NM_005670.4 (MANE Select); coding-DNA position 918, C replaced by T.
Protein change: p.Asp306=; no amino-acid change (aspartic acid 306 retained).
Molecular consequence: synonymous variant. On other transcripts: 3 prime UTR variant (1), non-coding transcript variant (1).
Genome position (GRCh38, 1-based): chr6:145,627,494, G>A on the plus strand (C>T on the coding strand, the complement: EPM2A is on the minus strand). VCF-style: chr6-145627494-G-A. GRCh37 (hg19) VCF-style: chr6-145948630-G-A.
Other names: c.918C>T, p.Asp306= (NM_001018041.2); c.*1C>T (NM_001360057.2); c.504C>T, p.Asp168= (NM_001360064.2, NM_001360071.2, NM_001368131.1); c.456C>T, p.Asp152= (NM_001368129.2, NM_001368132.1).
Identifiers: ClinVar variation 696515 (VCV000696515.12), dbSNP rs375436219, ClinGen allele CA4035044.